The following is an entry in ClinVar:

NM_004370.6(COL12A1):c.1868A>G (p.Glu623Gly)

Gene: COL12A1 (collagen type XII alpha 1 chain; minus strand). Cytogenetic location: 6q13.
Variant type: single nucleotide variant.
Coding change: c.1868A>G on transcript NM_004370.6 (MANE Select); coding-DNA position 1868, A replaced by G.
Protein change: p.Glu623Gly; replaces glutamic acid 623 with glycine.
Molecular consequence: missense variant. On other transcripts: intron variant (1).
Genome position (GRCh38, 1-based): chr6:75,183,073, T>C on the plus strand (A>G on the coding strand, the complement: COL12A1 is on the minus strand). VCF-style: chr6-75183073-T-C. GRCh37 (hg19) VCF-style: chr6-75892789-T-C.
Other names: c.73+19647A>G (NM_080645.3); short protein forms E623G.
Identifiers: ClinVar variation 549694 (VCV000549694.10), dbSNP rs1356178155, ClinGen allele CA364768433.
Genomic context (GRCh38, chr6:75,183,073, plus strand): 5'-CATGAAGAAATAACTTTTACTCTCAAAGTCTACTAACCTTTCTTCTTTATAGCTGCCAAT[T>C]CTTGCTCAATTCTAAGGCAGATAGACTGTGTGAGTTCAAAAGATATCCTCTGAAAAGCAT-3'
Protein context (NP_004361.3, residues 613-633): TQSICLRIEQ[Glu623Gly]LAAIKKKAYV

ClinVar aggregate classification (germline): Uncertain significance. Review status: criteria provided, single submitter (1 of 4 stars). 2 submissions from 2 submitters: Uncertain significance (1). 1 of the submissions does not count toward it. Last evaluated 2022-01-24.

Conditions:
Charcot-Marie-Tooth disease type 2. Also called: Charcot-Marie-Tooth type 2. Identifiers: Orphanet 64746, MedGen C0270914, MONDO:0018993.
Ullrich congenital muscular dystrophy 2 (UCMD2). Identifiers: Orphanet 75840, MedGen C4225314, MONDO:0014654, OMIM 616470.
Bethlem myopathy 2 (BTHLM2). Identifiers: Orphanet 536516, Orphanet 610, MedGen C4225313, MONDO:0034022, OMIM 616471.

Allele frequency attached by ClinVar (database versions not stated): gnomAD exomes below 0.00001.
gnomAD v4.1: 1 of 1,609,468 alleles (0.000062%); highest among the groups gnomAD compares: Non-Finnish European, 0.000085%; no homozygotes.

Submissions (2):

Labcorp Genetics (formerly Invitae), Labcorp
Classification: Uncertain significance for Bethlem myopathy 2; Ullrich congenital muscular dystrophy 2. Last evaluated: 2022-01-24. Review status: criteria provided, single submitter. Criteria: Invitae Variant Classification Sherloc (09022015). Collection method: clinical testing. Allele origin: germline.
Comment: In summary, the available evidence is currently insufficient to determine the role of this variant in disease. Therefore, it has been classified as a Variant of Uncertain Significance. Algorithms developed to predict the effect of missense changes on protein structure and function are either unavailable or do not agree on the potential impact of this missense change (SIFT: "Deleterious"; PolyPhen-2: "Probably Damaging"; Align-GVGD: "Class C0"). ClinVar contains an entry for this variant (Variation ID: 549694). This variant has not been reported in the literature in individuals affected with COL12A1-related conditions. This variant is present in population databases (no rsID available, gnomAD 0.0009%). This sequence change replaces glutamic acid, which is acidic and polar, with glycine, which is neutral and non-polar, at codon 623 of the COL12A1 protein (p.Glu623Gly).

Institute of Human Genetics, Cologne University
Classification: Uncertain significance for Charcot-Marie-Tooth disease type 2. Last evaluated: 2018-04-26. Review status: no assertion criteria provided. Collection method: clinical testing. Allele origin: unknown. Affected: yes. Not counted in ClinVar's aggregate classification.